The following is an entry in ClinVar:

ClinVar aggregate classification (germline): Uncertain significance (1 of 4 stars; one submission).

Conditions:
Primary ciliary dyskinesia. Also called: Ciliary dyskinesia. Identifiers: Orphanet 244, MedGen C0008780, MONDO:0016575, HP:0012265.

Allele frequency attached by ClinVar (database versions not stated): ExAC 0.00001; TOPMed 0.00002; gnomAD 0.00003; gnomAD exomes 0.00003; ESP Exome Variant Server 0.00008.
gnomAD v4.1: 44 of 1,614,182 alleles (0.0027%); highest among the groups gnomAD compares: Middle Eastern, 0.016%; no homozygotes.

Submission:

Labcorp Genetics (formerly Invitae), Labcorp
Classification: Uncertain significance for Primary ciliary dyskinesia. Last evaluated: 2023-08-03. Review status: criteria provided, single submitter. Criteria: Invitae Variant Classification Sherloc (09022015). Collection method: clinical testing. Allele origin: germline.
Comment: Algorithms developed to predict the effect of missense changes on protein structure and function output the following: SIFT: "Not Available"; PolyPhen-2: "Benign"; Align-GVGD: "Not Available". The valine amino acid residue is found in multiple mammalian species, which suggests that this missense change does not adversely affect protein function. In summary, the available evidence is currently insufficient to determine the role of this variant in disease. Therefore, it has been classified as a Variant of Uncertain Significance. Algorithms developed to predict the effect of sequence changes on RNA splicing suggest that this variant may disrupt the consensus splice site. This variant has not been reported in the literature in individuals affected with DRC1-related conditions. This variant is present in population databases (rs369445461, gnomAD 0.008%). This sequence change replaces isoleucine, which is neutral and non-polar, with valine, which is neutral and non-polar, at codon 422 of the DRC1 protein (p.Ile422Val).

NM_145038.5(DRC1):c.1264A>G (p.Ile422Val)

Gene: DRC1 (dynein regulatory complex subunit 1; plus strand). Cytogenetic location: 2p23.3.
Variant type: single nucleotide variant.
Coding change: c.1264A>G on transcript NM_145038.5 (MANE Select); coding-DNA position 1264, A replaced by G.
Protein change: p.Ile422Val; replaces isoleucine 422 with valine.
Molecular consequence: missense variant.
Genome position (GRCh38, 1-based): chr2:26,444,816, A>G. VCF-style: chr2-26444816-A-G. GRCh37 (hg19) VCF-style: chr2-26667684-A-G.
Other names: short protein forms I422V.
Identifiers: ClinVar variation 2722922 (VCV002722922.1), dbSNP rs369445461, ClinGen allele CA1562186.